The following is an entry in ClinVar:

ClinVar aggregate classification (germline): Uncertain significance (1 of 4 stars; one submission).

Conditions:
Hypertrophic cardiomyopathy. Also called: HYPERTROPHIC MYOCARDIOPATHY. Identifiers: Orphanet 217569, MedGen C0007194, MeSH D002312, MONDO:0005045, HP:0001639.

Submission:

Labcorp Genetics (formerly Invitae), Labcorp
Classification: Uncertain significance for Hypertrophic cardiomyopathy. Last evaluated: 2024-07-09. Review status: criteria provided, single submitter. Criteria: Invitae Variant Classification Sherloc (09022015). Collection method: clinical testing. Allele origin: germline.
Comment: This sequence change replaces glutamic acid, which is acidic and polar, with aspartic acid, which is acidic and polar, at codon 1711 of the MYH7 protein (p.Glu1711Asp). This variant is not present in population databases (gnomAD no frequency). This variant has not been reported in the literature in individuals affected with MYH7-related conditions. Advanced modeling of protein sequence and biophysical properties (such as structural, functional, and spatial information, amino acid conservation, physicochemical variation, residue mobility, and thermodynamic stability) performed at Invitae indicates that this missense variant is expected to disrupt MYH7 protein function with a positive predictive value of 95%. In summary, the available evidence is currently insufficient to determine the role of this variant in disease. Therefore, it has been classified as a Variant of Uncertain Significance.

NM_000257.4(MYH7):c.5133G>C (p.Glu1711Asp)

Genes: MHRT (myosin heavy chain associated RNA transcript; plus strand), MYH7 (myosin heavy chain 7; minus strand), LOC126861897 (BRD4-independent group 4 enhancer GRCh37_chr14:23884455-23885654; plus strand). Cytogenetic location: 14q11.2.
Variant type: single nucleotide variant.
Coding change: c.5133G>C on transcript NM_000257.4 (MANE Select); coding-DNA position 5133, G replaced by C.
Protein change: p.Glu1711Asp; replaces glutamic acid 1711 with aspartic acid.
Molecular consequence: missense variant. On other transcripts: non-coding transcript variant (1).
Genome position (GRCh38, 1-based): chr14:23,415,653, C>G on the plus strand (G>C on the coding strand, the complement: MYH7 is on the minus strand). VCF-style: chr14-23415653-C-G. GRCh37 (hg19) VCF-style: chr14-23884862-C-G.
Other names: c.5133G>C, p.Glu1711Asp (NM_001407004.1); short protein forms E1711D.
Identifiers: ClinVar variation 3635998 (VCV003635998.2).
Genomic context (GRCh38, chr14:23,415,653, plus strand): 5'-GTGCTCCCTTCAGGAATGAGCAGGGGAGCTGCTCACCTGGGAATGCAGCAGCTGCACCCG[C>G]TCACTAGTCTCAATCAGCTCCTGCTCCGCCAGCTTCCGGGACCGCTCTGTCTGCTCCACC-3'
Protein context (NP_000248.2, residues 1701-1721): LAEQELIETS[Glu1711Asp]RVQLLHSQNT